The following is an entry in ClinVar:

ClinVar aggregate classification (germline): Pathogenic (1 of 4 stars; one submission).

Conditions:
Tuberous sclerosis 2 (TSC2). Identifiers: Orphanet 805, MedGen C1860707, MONDO:0013199, OMIM 613254.

Submission:

Labcorp Genetics (formerly Invitae), Labcorp
Classification: Pathogenic for Tuberous sclerosis 2. Last evaluated: 2023-06-25. Review status: criteria provided, single submitter. Criteria: Invitae Variant Classification Sherloc (09022015). Collection method: clinical testing. Allele origin: germline.
Comment: For these reasons, this variant has been classified as Pathogenic. This variant disrupts the p.Gly1595 amino acid residue in TSC2. Other variant(s) that disrupt this residue have been determined to be pathogenic (Invitae). This suggests that this residue is clinically significant, and that variants that disrupt this residue are likely to be disease-causing. Advanced modeling of protein sequence and biophysical properties (such as structural, functional, and spatial information, amino acid conservation, physicochemical variation, residue mobility, and thermodynamic stability) has been performed at Invitae for this missense variant, however the output from this modeling did not meet the statistical confidence thresholds required to predict the impact of this variant on TSC2 protein function. This missense change has been observed in individual(s) with tuberous sclerosis complex (PMID: 31927531; Invitae). This variant is not present in population databases (gnomAD no frequency). This sequence change replaces glycine, which is neutral and non-polar, with arginine, which is basic and polar, at codon 1595 of the TSC2 protein (p.Gly1595Arg).

Literature cited by the submitters: PubMed 31927531.

NM_000548.5(TSC2):c.4783G>C (p.Gly1595Arg)

Gene: TSC2 (TSC complex subunit 2; plus strand). Cytogenetic location: 16p13.3.
Variant type: single nucleotide variant.
Coding change: c.4783G>C on transcript NM_000548.5 (MANE Select); coding-DNA position 4783, G replaced by C.
Protein change: p.Gly1595Arg; replaces glycine 1595 with arginine.
Molecular consequence: missense variant. On other transcripts: non-coding transcript variant (5).
Genome position (GRCh38, 1-based): chr16:2,086,313, G>C. VCF-style: chr16-2086313-G-C. GRCh37 (hg19) VCF-style: chr16-2136314-G-C.
Other names: c.4582G>C, p.Gly1528Arg (NM_001077183.3); c.4714G>C, p.Gly1572Arg (NM_001114382.3); c.4474G>C, p.Gly1492Arg (NM_001318827.2); c.4438G>C, p.Gly1480Arg (NM_001318829.2); c.4051G>C, p.Gly1351Arg (NM_001318831.2); c.4615G>C, p.Gly1539Arg (NM_001318832.2); c.4585G>C, p.Gly1529Arg (NM_001363528.2); c.4651G>C, p.Gly1551Arg (NM_001370404.1); and 26 more; short protein forms G1124R, G1329R, G1480R, G1551R, G1552R, G1559R, G1571R, G1594R.
Identifiers: ClinVar variation 2728549 (VCV002728549.3), dbSNP rs45517369, ClinGen allele CA394307955.